The following is an entry in ClinVar:

NM_002661.5(PLCG2):c.600A>G (p.Glu200=)

Gene: PLCG2 (phospholipase C gamma 2; plus strand). Cytogenetic location: 16q23.3.
Variant type: single nucleotide variant.
Coding change: c.600A>G on transcript NM_002661.5 (MANE Select); coding-DNA position 600, A replaced by G.
Protein change: p.Glu200=; no amino-acid change (glutamic acid 200 retained).
Molecular consequence: synonymous variant.
Genome position (GRCh38, 1-based): chr16:81,870,887, A>G. VCF-style: chr16-81870887-A-G. GRCh37 (hg19) VCF-style: chr16-81904492-A-G.
Other names: p.Glu200=.
Identifiers: ClinVar variation 540107 (VCV000540107.15), dbSNP rs142140333, ClinGen allele CA8193311.
Genomic context (GRCh38, chr16:81,870,887, plus strand): 5'-GTGGTCACTTTTTTCATATTTACAGGAAATAGGAGCACACAAAGATGAGCTCAGCTTTGA[A>G]CAGTTCCATCTCTTCTATAAAAAACTTATGTTTGAACAGCAAAAATCGGTAAGATGATTC-3'
Protein context (NP_002652.2, residues 190-210): IGAHKDELSF[Glu200=]QFHLFYKKLM

ClinVar aggregate classification (germline): Benign/Likely benign. Review status: criteria provided, multiple submitters, no conflicts (2 of 4 stars). 4 submissions from 4 submitters: Benign (2); Likely benign (2). Last evaluated 2026-01-24.

Conditions:
Autoinflammation-PLCG2-associated antibody deficiency-immune dysregulation. Also called: Autoinflammation, antibody deficiency, and immune dysregulation, plcg2-associated; Autoinflammation, antibody deficiency, and immune dysregulation syndrome; AUTOINFLAMMATION, ANTIBODY DEFICIENCY, AND IMMUNE DYSREGULATION. Identifiers: Orphanet 324530, MedGen C3553961, MONDO:0013944, OMIM 614878.
Familial cold autoinflammatory syndrome 3 (FCAS3). Also called: FAMILIAL ATYPICAL COLD URTICARIA; ANTIBODY DEFICIENCY AND IMMUNE DYSREGULATION, PLCG2-ASSOCIATED. Identifiers: Orphanet 300359, MedGen C3280914, MONDO:0013766, OMIM 614468.

Allele frequency attached by ClinVar (database versions not stated): gnomAD exomes 0.00024 and 0.00068; ExAC 0.00092; gnomAD 0.00279 and 0.00294; ESP Exome Variant Server 0.00320; TOPMed 0.00343; 1000 Genomes Project 0.00399; 1000 Genomes Project 30x 0.00484.
gnomAD v4.1: 780 of 1,604,984 alleles (0.049%); highest among the groups gnomAD compares: African/African-American, 0.93%; 4 homozygotes.

Submissions (4):

Labcorp Genetics (formerly Invitae), Labcorp
Classification: Benign for Familial cold autoinflammatory syndrome 3. Last evaluated: 2026-01-24. Review status: criteria provided, single submitter. Criteria: Invitae Variant Classification Sherloc (09022015). Collection method: clinical testing. Allele origin: germline.

Mayo Clinic Laboratories, Mayo Clinic
Classification: Benign. Last evaluated: 2025-07-23. Review status: criteria provided, single submitter. Criteria: ACMG Guidelines, 2015. Collection method: clinical testing. Allele origin: germline. Observed: 6 variant alleles.
Comment: BS1, BS2, BP4, BP7

Blueprint Genetics
Classification: Likely benign. Last evaluated: 2024-10-31. Review status: criteria provided, single submitter. Criteria: ACMG Guidelines, 2015. Collection method: clinical testing. Allele origin: germline.

Fulgent Genetics
Classification: Likely benign for Familial cold autoinflammatory syndrome 3; Autoinflammation-PLCG2-associated antibody deficiency-immune dysregulation. Last evaluated: 2021-07-23. Review status: criteria provided, single submitter. Criteria: ACMG Guidelines, 2015. Collection method: clinical testing. Allele origin: unknown.